The following is an entry in ClinVar:

NM_181507.2(HPS5):c.986-3T>C

Gene: HPS5 (HPS5 biogenesis of lysosomal organelles complex 2 subunit 2; minus strand). Cytogenetic location: 11p15.1.
Variant type: single nucleotide variant.
Coding change: c.986-3T>C on transcript NM_181507.2 (MANE Select); 3 bases into the intron before coding-DNA position 986, T replaced by C.
Molecular consequence: intron variant.
Genome position (GRCh38, 1-based): chr11:18,298,973, A>G on the plus strand (T>C on the coding strand, the complement: HPS5 is on the minus strand). VCF-style: chr11-18298973-A-G. GRCh37 (hg19) VCF-style: chr11-18320520-A-G.
Other names: c.572-3T>C (NM_001440929.1, NM_001440928.1, NM_001440927.1); c.644-3T>C (NM_181508.2, NM_001440921.1, NM_001440926.1 and 7 more transcripts); c.875-3T>C (NM_001440915.1, NM_001440914.1, NM_001440913.1); c.986-3T>C (NM_001440931.1, NM_001440917.1, NM_001440906.1 and 5 more transcripts); c.911-3T>C (NM_001440907.1, NM_001440909.1, NM_001440908.1); c.773-3T>C (NM_001440919.1); c.800-3T>C (NM_001440918.1).
Identifiers: ClinVar variation 4987546 (VCV004987546.1).
Genomic context (GRCh38, chr11:18,298,973, plus strand): 5'-TTCCCATTTAGGTGCAAACAGAACAATTCATTCCTACAGACAGCCACATCCTGAATATCT[A>G]CGAAAACCACAGGTGTGAACATACAAAATGTTAACCAAATACCCCTTACAATTTTAAAAG-3'

ClinVar aggregate classification (germline): Likely benign (1 of 4 stars; one submission).

Conditions:
HPS5-related disorder. Also called: HPS5-related condition.

Submission:

PreventionGenetics, part of Exact Sciences
Classification: Likely benign for HPS5-related condition. Last evaluated: 2025-05-03. Review status: criteria provided, single submitter. Criteria: ACMG Guidelines, 2015. Collection method: clinical testing. Allele origin: germline.
Comment: This variant is classified as likely benign based on ACMG/AMP sequence variant interpretation guidelines (Richards et al. 2015 PMID: 25741868, with internal and published modifications).